The following is an entry in ClinVar:

ClinVar aggregate classification (germline): Uncertain significance. Review status: criteria provided, multiple submitters, no conflicts (2 of 4 stars). 2 submissions from 2 submitters: Uncertain significance (2). Last evaluated 2025-04-14.

Conditions:
Breast-ovarian cancer, familial, susceptibility to, 2 (BROVCA2). Also called: BRCA2 Hereditary Breast and Ovarian Cancer. Identifiers: Orphanet 145, MedGen C2675520, MONDO:0012933, OMIM 612555. Disease mechanism: loss of function.

Submissions (2):

GeneDx
Classification: Uncertain significance. Last evaluated: 2025-04-14. Review status: criteria provided, single submitter. Criteria: GeneDx Variant Classification Process June 2021. Collection method: clinical testing. Allele origin: germline. Affected: yes.
Comment: Not observed at significant frequency in large population cohorts (gnomAD); In silico analysis indicates that this missense variant does not alter protein structure/function; Has not been previously published as pathogenic or benign to our knowledge; Also known as 2530A>G

KCCC/NGS Laboratory, Kuwait Cancer Control Center
Classification: Uncertain significance for Breast-ovarian cancer, familial, susceptibility to, 2. Last evaluated: 2023-06-06. Review status: criteria provided, single submitter. Criteria: ACMG Guidelines, 2015. Collection method: clinical testing. Allele origin: germline. Affected: yes.
Comment: A variant of uncertain significance was detected in the BRCA2 gene (c.2302A>G), This sequence change replaces threonine with alanine at codon 768 of the BRCA2 protein (p.Thr768Ala). This variant is not present in population databases (gnomAD). This variant is not listed in ClinVar. Insilico predictions show benign predictions from BayesDel_addAF, DANN, EIGEN, FATHMM-MKL, MVP, MutationTaster and PrimateAI vs 2 pathogenic predictions from M-CAP and SIFT. These predictions have not been confirmed by published functional studies and their clinical significance is uncertain.

NM_000059.4(BRCA2):c.2302A>G (p.Thr768Ala)

Gene: BRCA2 (BRCA2 DNA repair associated; plus strand). Cytogenetic location: 13q13.1.
Variant type: single nucleotide variant.
Coding change: c.2302A>G on transcript NM_000059.4 (MANE Select); coding-DNA position 2302, A replaced by G.
Protein change: p.Thr768Ala; replaces threonine 768 with alanine.
Molecular consequence: missense variant. On other transcripts: non-coding transcript variant (1), intron variant (2).
Genome position (GRCh38, 1-based): chr13:32,336,657, A>G. VCF-style: chr13-32336657-A-G. GRCh37 (hg19) VCF-style: chr13-32910794-A-G.
Other names: c.2302A>G, p.Thr768Ala (NM_001406719.1, NM_001406720.1); c.1909+3270A>G (NM_001406721.1); c.424+5627A>G (NM_001406722.1); short protein forms T768A.
Identifiers: ClinVar variation 2505523 (VCV002505523.3), dbSNP rs2137485173, ClinGen allele CA387771317.